The following is an entry in ClinVar:

NM_020166.5(MCCC1):c.1894C>T (p.Pro632Ser)

Gene: MCCC1 (methylcrotonyl-CoA carboxylase subunit 1; minus strand). Cytogenetic location: 3q27.1.
Variant type: single nucleotide variant.
Coding change: c.1894C>T on transcript NM_020166.5 (MANE Select); coding-DNA position 1894, C replaced by T.
Protein change: p.Pro632Ser; replaces proline 632 with serine.
Molecular consequence: missense variant. On other transcripts: non-coding transcript variant (2).
Genome position (GRCh38, 1-based): chr3:183,020,213, G>A on the plus strand (C>T on the coding strand, the complement: MCCC1 is on the minus strand). VCF-style: chr3-183020213-G-A. GRCh37 (hg19) VCF-style: chr3-182738001-G-A.
Other names: c.1543C>T, p.Pro515Ser (NM_001293273.2); c.1567C>T, p.Pro523Ser (NM_001363880.1); short protein forms P632S, P523S, P515S.
Identifiers: ClinVar variation 344304 (VCV000344304.21), dbSNP rs142867987, ClinGen allele CA2718617.

ClinVar aggregate classification (germline): Uncertain significance. Review status: criteria provided, multiple submitters, no conflicts (2 of 4 stars). 8 submissions from 8 submitters: Uncertain significance (7). 1 of the submissions does not count toward it. Last evaluated 2025-11-06.

Conditions:
3-methylcrotonyl-CoA carboxylase 1 deficiency (MCC1D). Also called: MCCD TYPE 1; METHYLCROTONYLGLYCINURIA TYPE I; MCC 1 deficiency; 3 Alpha methylcrotonylglycinuria 1. Identifiers: Orphanet 6, MedGen CN028786, MONDO:0008861, OMIM 210200.

Allele frequency attached by ClinVar (database versions not stated): gnomAD 0.00015 and 0.00021; TOPMed 0.00018; gnomAD exomes 0.00019 and 0.00040; 1000 Genomes Project 30x 0.00047; ExAC 0.00049; 1000 Genomes Project 0.00060.
gnomAD v4.1: 309 of 1,613,928 alleles (0.019%); highest among the groups gnomAD compares: East Asian, 0.25%; no homozygotes.

Submissions (8):

Women's Health and Genetics/Laboratory Corporation of America, LabCorp
Classification: Uncertain significance. Last evaluated: 2025-11-06. Review status: criteria provided, single submitter. Criteria: LabCorp Variant Classification Summary - May 2015. Collection method: clinical testing. Allele origin: germline.
Comment: Variant summary: MCCC1 c.1894C>T (p.Pro632Ser) results in a non-conservative amino acid change in the encoded protein sequence. Algorithms developed to predict the effect of missense changes on protein structure and function all suggest that this variant is likely to be disruptive. The variant allele was found at a frequency of 0.0004 in 251318 control chromosomes. This frequency is not significantly higher than estimated for disease-causing variants in MCCC1, allowing no conclusion about variant significance. c.1894C>T has been reported in the literature in at least a compound heterozygous individual affected with Methylcrotonyl-CoA Carboxylase Deficiency (Shepard_2015). These data do not allow any conclusion about variant significance. To our knowledge, no experimental evidence demonstrating an impact on protein function has been reported. The following publications have been ascertained in the context of this evaluation (PMID: 27601257, 25356967, 30887117, 38374194). ClinVar contains an entry for this variant (Variation ID: 344304). Based on the evidence outlined above, the variant was classified as uncertain significance.

Labcorp Genetics (formerly Invitae), Labcorp
Classification: Uncertain significance for 3-methylcrotonyl-CoA carboxylase 1 deficiency. Last evaluated: 2025-01-06. Review status: criteria provided, single submitter. Criteria: Invitae Variant Classification Sherloc (09022015). Collection method: clinical testing. Allele origin: germline.
Comment: This sequence change replaces proline, which is neutral and non-polar, with serine, which is neutral and polar, at codon 632 of the MCCC1 protein (p.Pro632Ser). This variant is present in population databases (rs142867987, gnomAD 0.2%). This missense change has been observed in individual(s) with 3-methylcrotonyl-CoA carboxylase (3MCC) deficiency (PMID: 25356967). ClinVar contains an entry for this variant (Variation ID: 344304). Invitae Evidence Modeling of protein sequence and biophysical properties (such as structural, functional, and spatial information, amino acid conservation, physicochemical variation, residue mobility, and thermodynamic stability) indicates that this missense variant is expected to disrupt MCCC1 protein function with a positive predictive value of 80%. In summary, the available evidence is currently insufficient to determine the role of this variant in disease. Therefore, it has been classified as a Variant of Uncertain Significance.

Fulgent Genetics
Classification: Uncertain significance for 3-methylcrotonyl-CoA carboxylase 1 deficiency. Last evaluated: 2022-05-20. Review status: criteria provided, single submitter. Criteria: ACMG Guidelines, 2015. Collection method: clinical testing. Allele origin: unknown.

Revvity Omics, Revvity
Classification: Uncertain significance for 3-methylcrotonyl-CoA carboxylase 1 deficiency. Last evaluated: 2021-04-23. Review status: criteria provided, single submitter. Criteria: ACMG Guidelines, 2015. Collection method: clinical testing. Allele origin: germline.

GeneDx
Classification: Uncertain significance. Last evaluated: 2020-04-27. Review status: criteria provided, single submitter. Criteria: GeneDx Variant Classification Process June 2021. Collection method: clinical testing. Allele origin: germline. Affected: yes.
Comment: Missense variants in this gene are often considered pathogenic (Stenson et al., 2014); In silico analysis supports that this missense variant has a deleterious effect on protein structure/function; Identified in an individual with 3-methylcrotonyl-CoA carboxylase deficiency who was asymptomatic and had a 2nd MCCC1 variant identified, but segregation information was not provided (Shepard et al., 2015); This variant is associated with the following publications: (PMID: 25356967)

Illumina Laboratory Services, Illumina
Classification: Uncertain significance for 3-methylcrotonyl-CoA carboxylase 1 deficiency. Last evaluated: 2018-01-13. Review status: criteria provided, single submitter. Criteria: ICSL Variant Classification Criteria 13 December 2019. Collection method: clinical testing. Allele origin: germline.

Breakthrough Genomics
Classification: Uncertain significance. Review status: criteria provided, single submitter. Criteria: ACMG Guidelines, 2015. Collection method: not provided. Allele origin: germline. Inheritance: Autosomal recessive inheritance. Affected: yes.

Natera, Inc.
Classification: Uncertain significance for 3-methylcrotonyl-CoA carboxylase 1 deficiency. Last evaluated: 2020-01-23. Review status: no assertion criteria provided. Collection method: clinical testing. Allele origin: germline. Not counted in ClinVar's aggregate classification.

Literature cited by the submitters: PubMed 30887117 (cited by Women's Health and Genetics/Laboratory Corporation of America, LabCorp); PubMed 27601257 (cited by Women's Health and Genetics/Laboratory Corporation of America, LabCorp); PubMed 25356967 (cited by Women's Health and Genetics/Laboratory Corporation of America, LabCorp and Labcorp Genetics (formerly Invitae), Labcorp); PubMed 38374194 (cited by Women's Health and Genetics/Laboratory Corporation of America, LabCorp).